The following is an entry in ClinVar:

ClinVar aggregate classification (germline): Uncertain significance. Review status: criteria provided, multiple submitters, no conflicts (2 of 4 stars). 2 submissions from 2 submitters: Uncertain significance (2). Last evaluated 2025-12-08.

Conditions:
Hereditary cancer-predisposing syndrome. Also called: Hereditary Cancer Syndrome; Hereditary neoplastic syndrome; Tumor predisposition; Neoplastic Syndromes, Hereditary. Identifiers: Orphanet 140162, MedGen C0027672, MeSH D009386, MONDO:0015356.

Submissions (2):

Labcorp Genetics (formerly Invitae), Labcorp
Classification: Uncertain significance. Last evaluated: 2025-12-08. Review status: criteria provided, single submitter. Criteria: Invitae Variant Classification Sherloc (09022015). Collection method: clinical testing. Allele origin: germline.
Comment: This sequence change replaces phenylalanine, which is neutral and non-polar, with leucine, which is neutral and non-polar, at codon 571 of the MSH3 protein (p.Phe571Leu). This variant is not present in population databases (gnomAD no frequency). This variant has not been reported in the literature in individuals affected with MSH3-related conditions. ClinVar contains an entry for this variant (Variation ID: 843205). An algorithm developed to predict the effect of missense changes on protein structure and function (PolyPhen-2) suggests that this variant is likely to be disruptive. In summary, the available evidence is currently insufficient to determine the role of this variant in disease. Therefore, it has been classified as a Variant of Uncertain Significance.

Ambry Genetics
Classification: Uncertain significance for Hereditary cancer-predisposing syndrome. Last evaluated: 2024-06-18. Review status: criteria provided, single submitter. Criteria: Ambry Variant Classification Scheme 2023. Collection method: clinical testing. Allele origin: germline.
Comment: The p.F571L variant (also known as c.1711T>C), located in coding exon 12 of the MSH3 gene, results from a T to C substitution at nucleotide position 1711. The phenylalanine at codon 571 is replaced by leucine, an amino acid with highly similar properties. This amino acid position is highly conserved in available vertebrate species. In addition, the in silico prediction for this alteration is inconclusive. Since supporting evidence is limited at this time, the clinical significance of this alteration remains unclear.

NM_002439.5(MSH3):c.1711T>C (p.Phe571Leu)

Gene: MSH3 (mutS homolog 3; plus strand). Cytogenetic location: 5q14.1.
Variant type: single nucleotide variant.
Coding change: c.1711T>C on transcript NM_002439.5 (MANE Select); coding-DNA position 1711, T replaced by C.
Protein change: p.Phe571Leu; replaces phenylalanine 571 with leucine.
Molecular consequence: missense variant.
Genome position (GRCh38, 1-based): chr5:80,744,563, T>C. VCF-style: chr5-80744563-T-C. GRCh37 (hg19) VCF-style: chr5-80040382-T-C.
Other names: short protein forms F571L.
Identifiers: ClinVar variation 843205 (VCV000843205.13), dbSNP rs1743680332, ClinGen allele CA360274743.
Genomic context (GRCh38, chr5:80,744,563, plus strand): 5'-TAGACTGATATGAAAACCAAAGGAAGTTTGCTGTGGGTTTTAGACCACACTAAAACTTCA[T>C]TTGGGAGACGGAAGTTAAAGAAGTGGGTGACCCAGCCACTCCTTAAATTAAGGTAAAAGG-3'
Protein context (NP_002430.3, residues 561-581): LWVLDHTKTS[Phe571Leu]GRRKLKKWVT